The following is an entry in ClinVar:

ClinVar aggregate classification (germline): Uncertain significance. Review status: criteria provided, multiple submitters, no conflicts (2 of 4 stars). 3 submissions from 3 submitters: Uncertain significance (2). 1 of the submissions does not count toward it. Last evaluated 2025-07-13.

Conditions:
Inborn genetic diseases. Identifiers: MedGen C0950123, MeSH D030342.
MYH9-related disorder. Identifiers: MedGen C1854520.

gnomAD v4.1: 2 of 1,613,882 alleles (0.00012%); highest among the groups gnomAD compares: East Asian, 0.0022%; no homozygotes.

Submissions (3):

Labcorp Genetics (formerly Invitae), Labcorp
Classification: Uncertain significance. Last evaluated: 2025-07-13. Review status: criteria provided, single submitter. Criteria: Invitae Variant Classification Sherloc (09022015). Collection method: clinical testing. Allele origin: germline.
Comment: This sequence change replaces glutamic acid, which is acidic and polar, with alanine, which is neutral and non-polar, at codon 1108 of the MYH9 protein (p.Glu1108Ala). This variant is present in population databases (no rsID available, gnomAD 0.003%). This variant has not been reported in the literature in individuals affected with MYH9-related conditions. ClinVar contains an entry for this variant (Variation ID: 2489820). Invitae Evidence Modeling of protein sequence and biophysical properties (such as structural, functional, and spatial information, amino acid conservation, physicochemical variation, residue mobility, and thermodynamic stability) indicates that this missense variant is not expected to disrupt MYH9 protein function with a negative predictive value of 80%. In summary, the available evidence is currently insufficient to determine the role of this variant in disease. Therefore, it has been classified as a Variant of Uncertain Significance.

Ambry Genetics
Classification: Uncertain significance for Inborn genetic diseases. Last evaluated: 2023-02-27. Review status: criteria provided, single submitter. Criteria: Ambry Variant Classification Scheme 2023. Collection method: clinical testing. Allele origin: germline.

PreventionGenetics, part of Exact Sciences
Classification: Uncertain significance for MYH9-related condition. Last evaluated: 2024-05-09. Review status: no assertion criteria provided. Collection method: clinical testing. Allele origin: germline. Not counted in ClinVar's aggregate classification.
Comment: The MYH9 c.3323A>C variant is predicted to result in the amino acid substitution p.Glu1108Ala. To our knowledge, this variant has not been reported in the literature. This variant is reported in 0.0033% of alleles in individuals of South Asian descent in gnomAD. At this time, the clinical significance of this variant is uncertain due to the absence of conclusive functional and genetic evidence.

NM_002473.6(MYH9):c.3323A>C (p.Glu1108Ala)

Gene: MYH9 (myosin heavy chain 9; minus strand). Cytogenetic location: 22q12.3.
Variant type: single nucleotide variant.
Coding change: c.3323A>C on transcript NM_002473.6 (MANE Select); coding-DNA position 3323, A replaced by C.
Protein change: p.Glu1108Ala; replaces glutamic acid 1108 with alanine.
Molecular consequence: missense variant.
Genome position (GRCh38, 1-based): chr22:36,295,667, T>G on the plus strand (A>C on the coding strand, the complement: MYH9 is on the minus strand). VCF-style: chr22-36295667-T-G. GRCh37 (hg19) VCF-style: chr22-36691713-T-G.
Other names: short protein forms E1108A.
Identifiers: ClinVar variation 2489820 (VCV002489820.6), dbSNP rs1261023056, ClinGen allele CA411388968.
Genomic context (GRCh38, chr22:36,295,667, plus strand): 5'-TTCCTGGAAGCACGCTCAGACTCCAGGTCTTCCTGGAGTTCAGAGATCTGAGATTCCAGC[T>G]CCCGGATCTTCTTGAGGGCCATGTTCTTCTGGGCAGCTTCCTCTTCCACTCTGCCAAAGC-3'
Protein context (NP_002464.1, residues 1098-1118): QKNMALKKIR[Glu1108Ala]LESQISELQE